The following is an entry in ClinVar:

NM_001267550.2(TTN):c.68137G>A (p.Glu22713Lys)

Genes: TTN-AS1 (TTN antisense RNA 1; plus strand), TTN (titin; minus strand), LOC126806423 (CDK7 strongly-dependent group 2 enhancer GRCh37_chr2:179443309-179444508; plus strand). Cytogenetic location: 2q31.2.
Variant type: single nucleotide variant.
Coding change: c.68137G>A on transcript NM_001267550.2 (MANE Select); coding-DNA position 68137, G replaced by A.
Protein change: p.Glu22713Lys; replaces glutamic acid 22713 with lysine.
Molecular consequence: missense variant.
Genome position (GRCh38, 1-based): chr2:178,578,893, C>T on the plus strand (G>A on the coding strand, the complement: TTN is on the minus strand). VCF-style: chr2-178578893-C-T. GRCh37 (hg19) VCF-style: chr2-179443620-C-T.
Other names: c.63214G>A, p.Glu21072Lys (NM_001256850.1); c.40942G>A, p.Glu13648Lys (NM_003319.4); c.60433G>A, p.Glu20145Lys (NM_133378.4); c.41317G>A, p.Glu13773Lys (NM_133432.3); c.41518G>A, p.Glu13840Lys (NM_133437.4); short protein forms E20145K, E22713K, E13648K, E13773K, E13840K, E21072K.
Identifiers: ClinVar variation 592957 (VCV000592957.7), dbSNP rs895744220, ClinGen allele CA60956353.
Genomic context (GRCh38, chr2:178,578,893, plus strand): 5'-CCGATTTCAGGCCTTCCCCTACACCATATTTATTTTCGGCACTGACCCTGAAGGTATATT[C>T]CATGCCCTCATGAAGTCTGGTTACTCTAAAGGTGGTTTTCTGGACAGCTGAGGCGCACGT-3'
Protein context (NP_001254479.2, residues 22703-22723): FRVTRLHEGM[Glu22713Lys]YTFRVSAENK

ClinVar aggregate classification (germline): Uncertain significance. Review status: criteria provided, multiple submitters, no conflicts (2 of 4 stars). 2 submissions from 2 submitters: Uncertain significance (2). Last evaluated 2020-03-09.

Conditions:
Cardiovascular phenotype. Identifiers: MedGen CN230736.

Allele frequency attached by ClinVar (database versions not stated): TOPMed 0.00001.
gnomAD v4.1: 4 of 1,613,312 alleles (0.00025%); highest among the groups gnomAD compares: Non-Finnish European, 0.00034%; no homozygotes.

Submissions (2):

Ambry Genetics
Classification: Uncertain significance for Cardiovascular phenotype. Last evaluated: 2020-03-09. Review status: criteria provided, single submitter. Criteria: Ambry Variant Classification Scheme 2023. Collection method: clinical testing. Allele origin: germline.
Comment: The p.E13648K variant (also known as c.40942G>A), located in coding exon 147 of the TTN gene, results from a G to A substitution at nucleotide position 40942. The glutamic acid at codon 13648 is replaced by lysine, an amino acid with similar properties. This amino acid position is highly conserved in available vertebrate species. In addition, the in silico prediction for this alteration is inconclusive. Since supporting evidence is limited at this time, the clinical significance of this alteration remains unclear.

Eurofins Ntd Llc (ga)
Classification: Uncertain significance. Last evaluated: 2017-11-14. Review status: criteria provided, single submitter. Criteria: EGL Classification Definitions 2015. Collection method: clinical testing. Allele origin: germline. Observed: 2 variant alleles, 2 heterozygotes.